The following is an entry in ClinVar:

NM_007194.4(CHEK2):c.1040A>G (p.Asp347Gly)

Gene: CHEK2 (checkpoint kinase 2; minus strand). Cytogenetic location: 22q12.1.
Variant type: single nucleotide variant.
Coding change: c.1040A>G on transcript NM_007194.4 (MANE Select); coding-DNA position 1040, A replaced by G.
Protein change: p.Asp347Gly; replaces aspartic acid 347 with glycine.
Molecular consequence: missense variant. On other transcripts: intron variant (3).
Genome position (GRCh38, 1-based): chr22:28,696,956, T>C on the plus strand (A>G on the coding strand, the complement: CHEK2 is on the minus strand). VCF-style: chr22-28696956-T-C. GRCh37 (hg19) VCF-style: chr22-29092944-T-C.
Other names: c.1169A>G, p.Asp390Gly (NM_001005735.3); c.377A>G, p.Asp126Gly (NM_001257387.3, NM_001437942.1); c.839A>G, p.Asp280Gly (NM_001349956.3); c.1133A>G, p.Asp378Gly (NM_001438293.1); c.1009-1083A>G (NM_145862.3); c.1102-1083A>G (NM_001438295.1); c.1138-1083A>G (NM_001438294.1); short protein forms D126G, D280G, D390G, D347G, D378G.
Identifiers: ClinVar variation 2096220 (VCV002096220.7), dbSNP rs786202676, ClinGen allele CA411097722.

ClinVar aggregate classification (germline): Uncertain significance. Review status: criteria provided, multiple submitters, no conflicts (2 of 4 stars). 3 submissions from 3 submitters: Uncertain significance (3). Last evaluated 2024-02-27.

Conditions:
Hereditary cancer-predisposing syndrome. Also called: Hereditary neoplastic syndrome; Neoplastic Syndromes, Hereditary; Tumor predisposition; Hereditary Cancer Syndrome. Identifiers: Orphanet 140162, MedGen C0027672, MeSH D009386, MONDO:0015356.
Familial cancer of breast. Also called: Hereditary breast cancer; BREAST CANCER, FAMILIAL; hereditary breast carcinoma. Identifiers: Orphanet 227535, MedGen C0346153, MONDO:0016419, OMIM 114480. Disease mechanism: loss of function.

Allele frequency attached by ClinVar (database versions not stated): gnomAD exomes below 0.00001.
gnomAD v4.1: 1 of 1,613,424 alleles (0.000062%); highest among the groups gnomAD compares: Non-Finnish European, 0.000085%; no homozygotes.

Submissions (3):

GeneDx
Classification: Uncertain significance. Last evaluated: 2024-02-27. Review status: criteria provided, single submitter. Criteria: GeneDx Variant Classification Process June 2021. Collection method: clinical testing. Allele origin: germline. Affected: yes.
Comment: Not observed at significant frequency in large population cohorts (gnomAD); In silico analysis supports that this missense variant has a deleterious effect on protein structure/function; Identified in an individual with ovarian cancer (PMID: 32546565); This variant is associated with the following publications: (PMID: 32546565, 22419737, 19782031)

Labcorp Genetics (formerly Invitae), Labcorp
Classification: Uncertain significance for Familial cancer of breast. Last evaluated: 2024-01-27. Review status: criteria provided, single submitter. Criteria: Invitae Variant Classification Sherloc (09022015). Collection method: clinical testing. Allele origin: germline.
Comment: This sequence change replaces aspartic acid, which is acidic and polar, with glycine, which is neutral and non-polar, at codon 347 of the CHEK2 protein (p.Asp347Gly). This variant is not present in population databases (gnomAD no frequency). This variant has not been reported in the literature in individuals affected with CHEK2-related conditions. ClinVar contains an entry for this variant (Variation ID: 2096220). An algorithm developed to predict the effect of missense changes on protein structure and function (PolyPhen-2) suggests that this variant is likely to be disruptive. In summary, the available evidence is currently insufficient to determine the role of this variant in disease. Therefore, it has been classified as a Variant of Uncertain Significance.

Ambry Genetics
Classification: Uncertain significance for Hereditary cancer-predisposing syndrome. Last evaluated: 2023-07-13. Review status: criteria provided, single submitter. Criteria: Ambry Variant Classification Scheme 2023. Collection method: clinical testing. Allele origin: germline.
Comment: The p.D347G variant (also known as c.1040A>G), located in coding exon 9 of the CHEK2 gene, results from an A to G substitution at nucleotide position 1040. The aspartic acid at codon 347 is replaced by glycine, an amino acid with similar properties. This alteration was identified in an individual diagnosed with ovarian cancer (Song H et al. J Med Genet, 2021 May;58:305-313). This amino acid position is highly conserved in available vertebrate species. In addition, this alteration is predicted to be deleterious by in silico analysis. Since supporting evidence is limited at this time, the clinical significance of this alteration remains unclear.

Literature cited by the submitters: PubMed 32546565 (cited by Ambry Genetics).